The following is an entry in ClinVar:

ClinVar aggregate classification (germline): Uncertain significance (1 of 4 stars; one submission).

Allele frequency attached by ClinVar (database versions not stated): ExAC 0.00001; gnomAD exomes 0.00001; TOPMed 0.00002; gnomAD 0.00004.
gnomAD v4.1: 10 of 1,614,046 alleles (0.00062%); highest among the groups gnomAD compares: African/African-American, 0.012%; no homozygotes.

Submission:

Labcorp Genetics (formerly Invitae), Labcorp
Classification: Uncertain significance. Last evaluated: 2022-07-19. Review status: criteria provided, single submitter. Criteria: Invitae Variant Classification Sherloc (09022015). Collection method: clinical testing. Allele origin: germline.
Comment: In summary, the available evidence is currently insufficient to determine the role of this variant in disease. Therefore, it has been classified as a Variant of Uncertain Significance. Algorithms developed to predict the effect of missense changes on protein structure and function output the following: SIFT: "Tolerated"; PolyPhen-2: "Not Available"; Align-GVGD: "Class C0". The histidine amino acid residue is found in multiple mammalian species, which suggests that this missense change does not adversely affect protein function. ClinVar contains an entry for this variant (Variation ID: 1014398). This missense change has been observed in individual(s) with clinical features of retinitis pigmentosa (Invitae). This variant is present in population databases (rs750552152, gnomAD 0.01%). This sequence change replaces tyrosine, which is neutral and polar, with histidine, which is basic and polar, at codon 763 of the TOPORS protein (p.Tyr763His).

NM_005802.5(TOPORS):c.2287T>C (p.Tyr763His)

Gene: TOPORS (TOP1 binding arginine/serine rich protein, E3 ubiquitin ligase; minus strand). Cytogenetic location: 9p21.1.
Variant type: single nucleotide variant.
Coding change: c.2287T>C on transcript NM_005802.5 (MANE Select); coding-DNA position 2287, T replaced by C.
Protein change: p.Tyr763His; replaces tyrosine 763 with histidine.
Molecular consequence: missense variant.
Genome position (GRCh38, 1-based): chr9:32,542,238, A>G on the plus strand (T>C on the coding strand, the complement: TOPORS is on the minus strand). VCF-style: chr9-32542238-A-G. GRCh37 (hg19) VCF-style: chr9-32542236-A-G.
Other names: c.2092T>C, p.Tyr698His (NM_001195622.2); short protein forms Y698H, Y763H.
Identifiers: ClinVar variation 1014398 (VCV001014398.6), dbSNP rs750552152, ClinGen allele CA5020393.